The following is an entry in ClinVar:

ClinVar aggregate classification (germline): Uncertain significance (1 of 4 stars; one submission).

Conditions:
Retinoblastoma (RB1). Also called: RETINOBLASTOMA, SOMATIC. Identifiers: Orphanet 790, MedGen C0035335, MeSH D012175, MONDO:0008380, OMIM 180200, HP:0009919. Disease mechanism: loss of function. Inheritance: Both sporadic and heritable forms are tested..

Allele frequency attached by ClinVar (database versions not stated): gnomAD 0.00002; TOPMed 0.00002.
gnomAD v4.1: 9 of 1,210,772 alleles (0.00074%); highest among the groups gnomAD compares: African/African-American, 0.008%; no homozygotes.

Submission:

Labcorp Genetics (formerly Invitae), Labcorp
Classification: Uncertain significance for Retinoblastoma. Last evaluated: 2025-08-13. Review status: criteria provided, single submitter. Criteria: Invitae Variant Classification Sherloc (09022015). Collection method: clinical testing. Allele origin: germline.
Comment: This variant occurs in a non-coding region of the RB1 gene. It does not change the encoded amino acid sequence of the RB1 protein. This variant is not present in population databases (gnomAD no frequency). This variant has not been reported in the literature in individuals affected with RB1-related conditions. ClinVar contains an entry for this variant (Variation ID: 2917985). In summary, the available evidence is currently insufficient to determine the role of this variant in disease. Therefore, it has been classified as a Variant of Uncertain Significance.

NM_000321.3(RB1):c.-152C>T

Gene: RB1 (RB transcriptional corepressor 1; plus strand). Cytogenetic location: 13q14.2.
Variant type: single nucleotide variant.
Coding change: c.-152C>T on transcript NM_000321.3 (MANE Select); 152 bases upstream of the start codon, C replaced by T.
Molecular consequence: 5 prime UTR variant.
Genome position (GRCh38, 1-based): chr13:48,303,761, C>T. VCF-style: chr13-48303761-C-T. GRCh37 (hg19) VCF-style: chr13-48877897-C-T.
Other names: c.-152C>T (NM_001407165.1, NM_001407166.1, NM_001407167.1).
Identifiers: ClinVar variation 2917985 (VCV002917985.3), dbSNP rs1043802132, ClinGen allele CA249842004.